The following is an entry in ClinVar:

ClinVar aggregate classification (germline): Uncertain significance (1 of 4 stars; one submission).

Submission:

GeneDx
Classification: Uncertain significance. Last evaluated: 2026-03-19. Review status: criteria provided, single submitter. Criteria: GeneDx Variant Classification Process June 2021. Collection method: clinical testing. Allele origin: germline.
Comment: Not observed at significant frequency in large population cohorts (gnomAD); In silico analysis supports that this missense variant has a deleterious effect on protein structure/function; Has not been previously published as pathogenic or benign to our knowledge

NM_020706.2(SCAF4):c.175A>C (p.Lys59Gln)

Gene: SCAF4 (SR-related CTD associated factor 4; minus strand). Cytogenetic location: 21q22.11.
Variant type: single nucleotide variant.
Coding change: c.175A>C on transcript NM_020706.2 (MANE Select); coding-DNA position 175, A replaced by C.
Protein change: p.Lys59Gln; replaces lysine 59 with glutamine.
Molecular consequence: missense variant.
Genome position (GRCh38, 1-based): chr21:31,703,911, T>G on the plus strand (A>C on the coding strand, the complement: SCAF4 is on the minus strand). VCF-style: chr21-31703911-T-G. GRCh37 (hg19) VCF-style: chr21-33076224-T-G.
Other names: c.130A>C, p.Lys44Gln (NM_001145444.1); c.175A>C, p.Lys59Gln (NM_001145445.1); short protein forms K59Q, K44Q.
Identifiers: ClinVar variation 5009526 (VCV005009526.1).